The following is an entry in ClinVar:

NM_001395656.1(ROBO2):c.3241C>G (p.Pro1081Ala)

Gene: ROBO2 (roundabout guidance receptor 2; plus strand). Cytogenetic location: 3p12.3.
Variant type: single nucleotide variant.
Coding change: c.3241C>G on transcript NM_001395656.1 (MANE Select); coding-DNA position 3241, C replaced by G.
Protein change: p.Pro1081Ala; replaces proline 1081 with alanine.
Molecular consequence: missense variant.
Genome position (GRCh38, 1-based): chr3:77,607,890, C>G. VCF-style: chr3-77607890-C-G. GRCh37 (hg19) VCF-style: chr3-77657041-C-G.
Other names: c.3277C>G, p.Pro1093Ala (NM_001128929.3); c.3241C>G, p.Pro1081Ala (NM_001290039.2, NM_001290040.2); c.1450C>G, p.Pro484Ala (NM_001290065.2); c.3289C>G, p.Pro1097Ala (NM_001378190.1, NM_001378200.1, NM_001378201.1 and 1 more transcripts); c.3415C>G, p.Pro1139Ala (NM_001378191.1, NM_001378195.1, NM_001378196.1); c.3310C>G, p.Pro1104Ala (NM_001378192.1, NM_001378198.1, NM_001378199.1); c.3229C>G, p.Pro1077Ala (NM_001378193.1, NM_002942.5); c.3427C>G, p.Pro1143Ala (NM_001378194.1); and 5 more; short protein forms P1077A, P1081A, P1104A, P1139A, P484A, P1078A, P1093A, P1119A.
Identifiers: ClinVar variation 2170255 (VCV002170255.6), dbSNP rs201356083, ClinGen allele CA2497582.
Genomic context (GRCh38, chr3:77,607,890, plus strand): 5'-AACTCTTCTAAACCACAGAAAAACAATGGATCCACTTGGGCCAATGTCCCTCTACCTCCC[C>G]CCCCAGTCCAGCCCCTTCCTGGCACGGAGCTGGAACACTATGCAGTGGAACAACAAGAAA-3'
Protein context (NP_001382585.1, residues 1071-1091): STWANVPLPP[Pro1081Ala]PVQPLPGTEL

ClinVar aggregate classification (germline): Conflicting classifications of pathogenicity. Review status: criteria provided, conflicting classifications (1 of 4 stars). 3 submissions from 3 submitters: Uncertain significance (1); Likely benign (1). 1 of the submissions does not count toward it. Last evaluated 2024-04-11.

Conditions:
ROBO2-related disorder. Also called: ROBO2-related condition.
Vesicoureteral reflux 2 (VUR2). Identifiers: Orphanet 289365, MedGen C1970483, MONDO:0012573, OMIM 610878.

Allele frequency attached by ClinVar (database versions not stated): ExAC 0.00005; TOPMed 0.00009; gnomAD 0.00014; ESP Exome Variant Server 0.00017.
gnomAD v4.1: 396 of 1,613,806 alleles (0.025%); highest among the groups gnomAD compares: Non-Finnish European, 0.032%; no homozygotes.

Submissions (3):

Fulgent Genetics
Classification: Likely benign for Vesicoureteral reflux 2. Last evaluated: 2024-04-11. Review status: criteria provided, single submitter. Criteria: ACMG Guidelines, 2015. Collection method: clinical testing. Allele origin: germline.

Labcorp Genetics (formerly Invitae), Labcorp
Classification: Uncertain significance. Last evaluated: 2022-09-29. Review status: criteria provided, single submitter. Criteria: Invitae Variant Classification Sherloc (09022015). Collection method: clinical testing. Allele origin: germline.
Comment: Advanced modeling of protein sequence and biophysical properties (such as structural, functional, and spatial information, amino acid conservation, physicochemical variation, residue mobility, and thermodynamic stability) performed at Invitae indicates that this missense variant is not expected to disrupt ROBO2 protein function. In summary, the available evidence is currently insufficient to determine the role of this variant in disease. Therefore, it has been classified as a Variant of Uncertain Significance. This sequence change replaces proline, which is neutral and non-polar, with alanine, which is neutral and non-polar, at codon 1077 of the ROBO2 protein (p.Pro1077Ala). This variant is present in population databases (rs201356083, gnomAD 0.02%). This variant has not been reported in the literature in individuals affected with ROBO2-related conditions.

PreventionGenetics, part of Exact Sciences
Classification: Uncertain significance for ROBO2-related condition. Last evaluated: 2024-04-28. Review status: no assertion criteria provided. Collection method: clinical testing. Allele origin: germline. Not counted in ClinVar's aggregate classification.
Comment: The ROBO2 c.3277C>G variant is predicted to result in the amino acid substitution p.Pro1093Ala. To our knowledge, this variant has not been reported in the literature. This variant is reported in 0.022% of alleles in individuals of European (Non-Finnish) descent in gnomAD. Although we suspect that this variant may be benign, at this time, the clinical significance of this variant is uncertain due to the absence of conclusive functional and genetic evidence.